The following is an entry in ClinVar:

ClinVar aggregate classification (germline): Benign. Review status: criteria provided, multiple submitters, no conflicts (2 of 4 stars). 4 submissions from 4 submitters: Benign (4). Last evaluated 2025-12-17.

Conditions:
RNF213-related disorder. Also called: RNF213-related condition.

Allele frequency attached by ClinVar (database versions not stated): gnomAD exomes 0.00092 and 0.00214; ExAC 0.00297; gnomAD 0.01003 and 0.01079; ESP Exome Variant Server 0.01029; 1000 Genomes Project 0.01058; 1000 Genomes Project 30x 0.01124; TOPMed 0.01169.
gnomAD v4.1: 2,851 of 1,537,228 alleles (0.19%); highest among the groups gnomAD compares: African/African-American, 3.4%; 52 homozygotes.

Submissions (5):

Labcorp Genetics (formerly Invitae), Labcorp
Classification: Benign. Last evaluated: 2025-12-17. Review status: criteria provided, single submitter. Criteria: Invitae Variant Classification Sherloc (09022015). Collection method: clinical testing. Allele origin: germline.

PreventionGenetics, part of Exact Sciences
Classification: Benign for RNF213-related condition. Last evaluated: 2025-04-02. Review status: criteria provided, single submitter. Criteria: ACMG Guidelines, 2015. Collection method: clinical testing. Allele origin: germline.
Comment: This variant is classified as benign based on ACMG/AMP sequence variant interpretation guidelines (Richards et al. 2015 PMID: 25741868, with internal and published modifications).

Mayo Clinic Laboratories, Mayo Clinic
Classification: Benign. Last evaluated: 2023-04-27. Review status: criteria provided, single submitter. Criteria: ACMG Guidelines, 2015. Collection method: clinical testing. Allele origin: germline. Observed: 6 variant alleles.
Comment: BS1, BS2, BP4

Breakthrough Genomics
Classification: Benign. Review status: criteria provided, single submitter. Criteria: ACMG Guidelines, 2015. Collection method: not provided. Allele origin: germline. Inheritance: Autosomal dominant inheritance. Affected: yes.

Dr. Peter K. Rogan Lab, Western University
No classification provided (evidence only). Condition: Malignant tumor of esophagus. Review status: no classification provided. Collection method: in vitro. Allele origin: not applicable. Functional consequence: retained intron. Not counted in ClinVar's aggregate classification.

NM_001256071.3(RNF213):c.4405G>C (p.Val1469Leu)

Gene: RNF213 (ring finger protein 213; plus strand). Cytogenetic location: 17q25.3.
Variant type: single nucleotide variant.
Coding change: c.4405G>C on transcript NM_001256071.3 (MANE Select); coding-DNA position 4405, G replaced by C.
Protein change: p.Val1469Leu; replaces valine 1469 with leucine.
Molecular consequence: missense variant.
Genome position (GRCh38, 1-based): chr17:80,336,256, G>C. VCF-style: chr17-80336256-G-C. GRCh37 (hg19) VCF-style: chr17-78310056-G-C.
Other names: p.Val1469Leu; short protein forms V1469L.
Identifiers: ClinVar variation 784366 (VCV000784366.11), dbSNP rs116694967, ClinGen allele CA8820245.
Genomic context (GRCh38, chr17:80,336,256, plus strand): 5'-TCCATCTCAGCGGGGGAGAATGACATTGATGTGGACCGGGTGGCCTGCTTCCATGACGCT[G>C]TGCAGGGCTACGCATCCCTGCTATTTAAGCTGGACCCCAGCGTGGACTTCAGTGCATTCA-3'
Protein context (NP_001243000.2, residues 1459-1479): VDRVACFHDA[Val1469Leu]QGYASLLFKL